The following is an entry in ClinVar:

NM_000090.4(COL3A1):c.4011+8A>C

Gene: COL3A1 (collagen type III alpha 1 chain; plus strand). Cytogenetic location: 2q32.2.
Variant type: single nucleotide variant.
Coding change: c.4011+8A>C on transcript NM_000090.4 (MANE Select); 8 bases into the intron after coding-DNA position 4011, A replaced by C.
Molecular consequence: intron variant.
Genome position (GRCh38, 1-based): chr2:189,010,373, A>C. VCF-style: chr2-189010373-A-C. GRCh37 (hg19) VCF-style: chr2-189875099-A-C.
Identifiers: ClinVar variation 507191 (VCV000507191.7), dbSNP rs781175426, ClinGen allele CA076401.

ClinVar aggregate classification (germline): Benign/Likely benign. Review status: criteria provided, multiple submitters, no conflicts (2 of 4 stars). 3 submissions from 3 submitters: Benign (1); Likely benign (2). Last evaluated 2026-03-02.

Conditions:
Ehlers-Danlos syndrome, type 4 (EDSVASC). Also called: Ehlers-Danlos syndrome vascular type; Ehlers Danlos syndrome, ecchymotic type; Ehlers Danlos syndrome, arterial type; Ehlers Danlos syndrome, Sack-Barabas type; Ehlers-Danlos Syndrome Type IV. Identifiers: Orphanet 286, MedGen C0268338, MONDO:0017314, OMIM 130050.

Allele frequency attached by ClinVar (database versions not stated): gnomAD exomes 0.00001 and 0.00003; TOPMed 0.00003; ExAC 0.00001; gnomAD 0.00001.
gnomAD v4.1: 42 of 1,613,890 alleles (0.0026%); highest among the groups gnomAD compares: Non-Finnish European, 0.0034%; no homozygotes.

Submissions (3):

Women's Health and Genetics/Laboratory Corporation of America, LabCorp
Classification: Likely benign. Last evaluated: 2026-03-02. Review status: criteria provided, single submitter. Criteria: LabCorp Variant Classification Summary - May 2015. Collection method: clinical testing. Allele origin: germline.

Labcorp Genetics (formerly Invitae), Labcorp
Classification: Likely benign for Ehlers-Danlos syndrome, type 4. Last evaluated: 2025-10-23. Review status: criteria provided, single submitter. Criteria: Invitae Variant Classification Sherloc (09022015). Collection method: clinical testing. Allele origin: germline.

GeneDx
Classification: Benign. Last evaluated: 2017-08-04. Review status: criteria provided, single submitter. Criteria: GeneDx Variant Classification (06012015). Collection method: clinical testing. Allele origin: germline. Affected: yes.
Comment: This variant is considered likely benign or benign based on one or more of the following criteria: it is a conservative change, it occurs at a poorly conserved position in the protein, it is predicted to be benign by multiple in silico algorithms, and/or has population frequency not consistent with disease.